The following is an entry in ClinVar:

NM_005236.3(ERCC4):c.190A>T (p.Thr64Ser)

Genes: ERCC4 (ERCC excision repair 4, endonuclease catalytic subunit; plus strand), LOC130058543 (ATAC-STARR-seq lymphoblastoid active region 10486; plus strand). Cytogenetic location: 16p13.12.
Variant type: single nucleotide variant.
Coding change: c.190A>T on transcript NM_005236.3 (MANE Select); coding-DNA position 190, A replaced by T.
Protein change: p.Thr64Ser; replaces threonine 64 with serine.
Molecular consequence: missense variant.
Genome position (GRCh38, 1-based): chr16:13,920,355, A>T. VCF-style: chr16-13920355-A-T. GRCh37 (hg19) VCF-style: chr16-14014212-A-T.
Other names: short protein forms T64S.
Identifiers: ClinVar variation 2944222 (VCV002944222.3), dbSNP rs2543161529, ClinGen allele CA394816564.
Genomic context (GRCh38, chr16:13,920,355, plus strand): 5'-CTCCTCTACCACTTTCTCCAGCTGCACTGCCACCCAGCCTGCCTGGTGCTGGTGCTCAAC[A>T]CGCAGCCGGCCGAGGAGGTGCGGCCGCGCTGGCGCGGGAGTGAGGGGACTCCGAGAGTGT-3'
Protein context (NP_005227.1, residues 54-74): HPACLVLVLN[Thr64Ser]QPAEEEYFIN

ClinVar aggregate classification (germline): Uncertain significance (1 of 4 stars; one submission).

Conditions:
Xeroderma pigmentosum, group F (XPF). Also called: XERODERMA PIGMENTOSUM, COMPLEMENTATION GROUP F; XERODERMA PIGMENTOSUM VI; XP, GROUP F; ERCC4-Related Xeroderma Pigmentosum; XERODERMA PIGMENTOSUM, TYPE F; Xeroderma pigmentosum, type 6. Identifiers: MedGen C0268140, MONDO:0010215, OMIM 278760.
Fanconi anemia complementation group Q. Identifiers: Orphanet 84, MedGen C3808988, MONDO:0014108, OMIM 615272.
Cockayne syndrome. Identifiers: Orphanet 191, MedGen C0009207, MONDO:0016006.

Submission:

Labcorp Genetics (formerly Invitae), Labcorp
Classification: Uncertain significance for Fanconi anemia complementation group Q; Xeroderma pigmentosum, group F; Cockayne syndrome. Last evaluated: 2023-02-13. Review status: criteria provided, single submitter. Criteria: Invitae Variant Classification Sherloc (09022015). Collection method: clinical testing. Allele origin: germline.
Comment: This sequence change replaces threonine, which is neutral and polar, with serine, which is neutral and polar, at codon 64 of the ERCC4 protein (p.Thr64Ser). This variant is not present in population databases (gnomAD no frequency). This variant has not been reported in the literature in individuals affected with ERCC4-related conditions. Advanced modeling of protein sequence and biophysical properties (such as structural, functional, and spatial information, amino acid conservation, physicochemical variation, residue mobility, and thermodynamic stability) performed at Invitae indicates that this missense variant is not expected to disrupt ERCC4 protein function. In summary, the available evidence is currently insufficient to determine the role of this variant in disease. Therefore, it has been classified as a Variant of Uncertain Significance.